The following is an entry in ClinVar:

ClinVar aggregate classification (germline): Uncertain significance (1 of 4 stars; one submission).

Allele frequency attached by ClinVar (database versions not stated): 1000 Genomes Project 30x 0.00031.

Submission:

Labcorp Genetics (formerly Invitae), Labcorp
Classification: Uncertain significance. Last evaluated: 2021-07-18. Review status: criteria provided, single submitter. Criteria: Invitae Variant Classification Sherloc (09022015). Collection method: clinical testing. Allele origin: germline.
Comment: In summary, the available evidence is currently insufficient to determine the role of this variant in disease. Therefore, it has been classified as a Variant of Uncertain Significance. Advanced modeling of protein sequence and biophysical properties (such as structural, functional, and spatial information, amino acid conservation, physicochemical variation, residue mobility, and thermodynamic stability) performed at Invitae indicates that this missense variant is not expected to disrupt DUOX2 protein function. This variant has not been reported in the literature in individuals affected with DUOX2-related conditions. This variant is not present in population databases (ExAC no frequency). This sequence change replaces cysteine with phenylalanine at codon 1052 of the DUOX2 protein (p.Cys1052Phe). The cysteine residue is moderately conserved and there is a large physicochemical difference between cysteine and phenylalanine.

NM_001363711.2(DUOX2):c.3155G>T (p.Cys1052Phe)

Gene: DUOX2 (dual oxidase 2; minus strand). Cytogenetic location: 15q21.1.
Variant type: single nucleotide variant.
Coding change: c.3155G>T on transcript NM_001363711.2 (MANE Select); coding-DNA position 3155, G replaced by T.
Protein change: p.Cys1052Phe; replaces cysteine 1052 with phenylalanine.
Molecular consequence: missense variant.
Genome position (GRCh38, 1-based): chr15:45,100,079, C>A on the plus strand (G>T on the coding strand, the complement: DUOX2 is on the minus strand). VCF-style: chr15-45100079-C-A. GRCh37 (hg19) VCF-style: chr15-45392277-C-A.
Other names: c.3155G>T, p.Cys1052Phe (NM_014080.5); short protein forms C1052F.
Identifiers: ClinVar variation 1406287 (VCV001406287.8), dbSNP rs76343591, ClinGen allele CA392263264.